The following is an entry in ClinVar:

NM_177438.3(DICER1):c.1182G>T (p.Gln394His)

Gene: DICER1 (dicer 1, ribonuclease III; minus strand). Cytogenetic location: 14q32.13.
Variant type: single nucleotide variant.
Coding change: c.1182G>T on transcript NM_177438.3 (MANE Select); coding-DNA position 1182, G replaced by T.
Protein change: p.Gln394His; replaces glutamine 394 with histidine.
Molecular consequence: missense variant. On other transcripts: 5 prime UTR variant (1), non-coding transcript variant (6).
Genome position (GRCh38, 1-based): chr14:95,124,390, C>A on the plus strand (G>T on the coding strand, the complement: DICER1 is on the minus strand). VCF-style: chr14-95124390-C-A. GRCh37 (hg19) VCF-style: chr14-95590727-C-A.
Other names: c.1182G>T, p.Gln394His (NM_001195573.1, NM_001271282.3, NM_001291628.2 and 14 more transcripts); c.900G>T, p.Gln300His (NM_001395686.1); c.777G>T, p.Gln259His (NM_001395687.1, NM_001395688.1, NM_001395689.1 and 3 more transcripts); c.615G>T, p.Gln205His (NM_001395691.1); c.-387G>T (NM_001395697.1); short protein forms Q205H, Q259H, Q300H, Q394H.
Identifiers: ClinVar variation 1692077 (VCV001692077.1), dbSNP rs2140203893, ClinGen allele CA390886781.
Genomic context (GRCh38, chr14:95,124,390, plus strand): 5'-ATCACTCCATGACACATAATTATCCTGATTTCTATTATTATACCACTCAACGCTTTCAAA[C>A]TGCTGTCGCTCATATGGTTTATATTTGCGTAAGATTTCGAGCAGTTTGATTACTTTAGGA-3'
Protein context (NP_803187.1, residues 384-404): LRKYKPYERQ[Gln394His]FESVEWYNNR

ClinVar aggregate classification (germline): Uncertain significance (1 of 4 stars; one submission).

Conditions:
Hereditary cancer-predisposing syndrome. Also called: Hereditary Cancer Syndrome; Hereditary neoplastic syndrome; Neoplastic Syndromes, Hereditary; Tumor predisposition. Identifiers: Orphanet 140162, MedGen C0027672, MeSH D009386, MONDO:0015356.

Submission:

Sema4
Classification: Uncertain significance for Hereditary cancer-predisposing syndrome. Last evaluated: 2021-08-26. Review status: criteria provided, single submitter. Criteria: Sema4 Curation Guidelines. Collection method: curation. Allele origin: germline.
Comment: The DICER1 c.1182G>T (p.Q394H) variant has not been reported in the literature to our knowledge. It was not observed in the large and broad cohorts of the Genome Aggregation Database (PMID: 32461654). The variant has not been reported in ClinVar. Functional studies have not been performed and in silico predictions of the variant's effect on protein function are inconclusive. The evidence is insufficient to meet ACMG/AMP criteria for classifying the variant as benign or pathogenic. Thus, the clinical significance of this variant is currently uncertain.